The following is an entry in ClinVar:

ClinVar aggregate classification (germline): Uncertain significance (1 of 4 stars; one submission).

gnomAD v4.1: 1 of 1,556,812 alleles (0.000064%); highest among the groups gnomAD compares: Admixed American, 0.0019%; no homozygotes.

Submission:

GeneDx
Classification: Uncertain significance. Last evaluated: 2024-07-15. Review status: criteria provided, single submitter. Criteria: GeneDx Variant Classification Process June 2021. Collection method: clinical testing. Allele origin: germline. Affected: yes.
Comment: Not observed at significant frequency in large population cohorts (gnomAD); In silico analysis indicates that this missense variant does not alter protein structure/function; Has not been previously published as pathogenic or benign to our knowledge

NM_001378454.1(ALMS1):c.161T>G (p.Leu54Trp)

Gene: ALMS1 (ALMS1 centrosome and basal body associated protein; plus strand). Cytogenetic location: 2p13.1.
Variant type: single nucleotide variant.
Coding change: c.161T>G on transcript NM_001378454.1 (MANE Select); coding-DNA position 161, T replaced by G.
Protein change: p.Leu54Trp; replaces leucine 54 with tryptophan.
Molecular consequence: missense variant.
Genome position (GRCh38, 1-based): chr2:73,386,029, T>G. VCF-style: chr2-73386029-T-G. GRCh37 (hg19) VCF-style: chr2-73613157-T-G.
Other names: c.164T>G, p.Leu55Trp (NM_015120.4); short protein forms L54W, L55W.
Identifiers: ClinVar variation 3573714 (VCV003573714.1).
Genomic context (GRCh38, chr2:73,386,029, plus strand): 5'-CGGCGAACGTGGACGACGTAGTGGTCGTGGAGGAGGTGGAGGAAGAGGCGGGGCGGGAGT[T>G]GGACTCCGACTCTCACTACGGGCCCCAGCATCTGGAAAGTATAGACGACGAGGAGGACGA-3'
Protein context (NP_001365383.1, residues 44-64): EEVEEEAGRE[Leu54Trp]DSDSHYGPQH